The following is an entry in ClinVar:

NM_000089.4(COL1A2):c.4095C>A (p.Phe1365Leu)

Gene: COL1A2 (collagen type I alpha 2 chain; plus strand). Cytogenetic location: 7q21.3.
Variant type: single nucleotide variant.
Coding change: c.4095C>A on transcript NM_000089.4 (MANE Select); coding-DNA position 4095, C replaced by A.
Protein change: p.Phe1365Leu; replaces phenylalanine 1365 with leucine.
Molecular consequence: missense variant.
Genome position (GRCh38, 1-based): chr7:94,430,387, C>A. VCF-style: chr7-94430387-C-A. GRCh37 (hg19) VCF-style: chr7-94059699-C-A.
Other names: short protein forms F1365L.
Identifiers: ClinVar variation 4231955 (VCV004231955.1).

ClinVar aggregate classification (germline): Uncertain significance (1 of 4 stars; one submission).

Conditions:
Cardiovascular phenotype. Identifiers: MedGen CN230736.

gnomAD v4.1: 4 of 1,613,862 alleles (0.00025%); highest among the groups gnomAD compares: East Asian, 0.0089%; no homozygotes.

Submission:

Ambry Genetics
Classification: Uncertain significance for Cardiovascular phenotype. Last evaluated: 2025-07-29. Review status: criteria provided, single submitter. Criteria: Ambry Variant Classification Scheme 2023. Collection method: clinical testing. Allele origin: germline.
Comment: The p.F1365L variant (also known as c.4095C>A), located in coding exon 52 of the COL1A2 gene, results from a C to A substitution at nucleotide position 4095. The phenylalanine at codon 1365 is replaced by leucine, an amino acid with highly similar properties. This variant was reported in an individual in an osteogenesis imperfecta (OI) cohort (Zhang ZL et al. J Bone Miner Metab, 2012 Jan;30:69-77). This amino acid position is well conserved in available vertebrate species. In addition, this alteration is predicted to be deleterious by in silico analysis. Based on the available evidence, the clinical significance of this variant remains unclear.

Literature cited by the submitters: PubMed 21667357.